The following is an entry in ClinVar:

ClinVar aggregate classification (germline): Pathogenic (1 of 4 stars; one submission).

Submission:

Labcorp Genetics (formerly Invitae), Labcorp
Classification: Pathogenic. Last evaluated: 2025-09-20. Review status: criteria provided, single submitter. Criteria: Invitae Variant Classification Sherloc (09022015). Collection method: clinical testing. Allele origin: germline.
Comment: This sequence change creates a premature translational stop signal (p.Gln1675*) in the TANC2 gene. While this is not anticipated to result in nonsense mediated decay, it is expected to disrupt the last 316 amino acid(s) of the TANC2 protein. This variant is not present in population databases (gnomAD no frequency). This variant has not been reported in the literature in individuals affected with TANC2-related conditions. This variant disrupts a region of the TANC2 protein in which other variant(s) (Arg1770Gly.) have been determined to be pathogenic (PMID: 35599849). This suggests that this is a clinically significant region of the protein, and that variants that disrupt it are likely to be disease-causing. For these reasons, this variant has been classified as Pathogenic.

Literature cited by the submitters: PubMed 35599849.

NM_001394998.1(TANC2):c.5275C>T (p.Gln1759Ter)

Gene: TANC2 (tetratricopeptide repeat, ankyrin repeat and coiled-coil containing 2; plus strand). Cytogenetic location: 17q23.3.
Variant type: single nucleotide variant.
Coding change: c.5275C>T on transcript NM_001394998.1 (MANE Select); coding-DNA position 5275, C replaced by T.
Protein change: p.Gln1759Ter; replaces glutamine 1759 with a stop codon.
Molecular consequence: nonsense.
Genome position (GRCh38, 1-based): chr17:63,421,005, C>T. VCF-style: chr17-63421005-C-T. GRCh37 (hg19) VCF-style: chr17-61498366-C-T.
Other names: c.5053C>T, p.Gln1685Ter (NM_001411076.1); c.5023C>T, p.Gln1675Ter (NM_025185.4); short protein forms Q1759*, Q1675*, Q1685*.
Identifiers: ClinVar variation 4727463 (VCV004727463.1).